The following is an entry in ClinVar:

NM_000214.3(JAG1):c.1223C>T (p.Thr408Met)

Gene: JAG1 (jagged canonical Notch ligand 1; minus strand). Cytogenetic location: 20p12.2.
Variant type: single nucleotide variant.
Coding change: c.1223C>T on transcript NM_000214.3 (MANE Select); coding-DNA position 1223, C replaced by T.
Protein change: p.Thr408Met; replaces threonine 408 with methionine.
Molecular consequence: missense variant.
Genome position (GRCh38, 1-based): chr20:10,650,258, G>A on the plus strand (C>T on the coding strand, the complement: JAG1 is on the minus strand). VCF-style: chr20-10650258-G-A. GRCh37 (hg19) VCF-style: chr20-10630906-G-A.
Other names: short protein forms T408M.
Identifiers: ClinVar variation 955136 (VCV000955136.12), dbSNP rs773039210, ClinGen allele CA9764953.
Genomic context (GRCh38, chr20:10,650,258, plus strand): 5'-ATCAAAGCCAACCTTGGTATAAAAATTACAGTCACAGGGATGTTCTTACCTAACTGGCAC[G>A]TTTTCCCAGTCCACTGTGGGGGGCACACACACTTAAATCCGTTAACCAGGTCCTGGCAGG-3'
Protein context (NP_000205.1, residues 398-418): CVCPPQWTGK[Thr408Met]CQLDANECEA

ClinVar aggregate classification (germline): Uncertain significance. Review status: criteria provided, multiple submitters, no conflicts (2 of 4 stars). 3 submissions from 3 submitters: Uncertain significance (3). Last evaluated 2024-11-13.

Conditions:
Cardiovascular phenotype. Identifiers: MedGen CN230736.
Alagille syndrome due to a JAG1 point mutation. Also called: HEPATIC DUCTULAR HYPOPLASIA, SYNDROMATIC; Alagille Syndrome 1; JAG1-Related Alagille Syndrome. Identifiers: Orphanet 261619, Orphanet 52, MedGen C1956125, MONDO:0016862, OMIM 118450.

Allele frequency attached by ClinVar (database versions not stated): gnomAD 0.00001; ExAC 0.00002; gnomAD exomes 0.00002; TOPMed 0.00002.
gnomAD v4.1: 23 of 1,610,806 alleles (0.0014%); highest among the groups gnomAD compares: Admixed American, 0.0067%; no homozygotes.

Submissions (3):

Labcorp Genetics (formerly Invitae), Labcorp
Classification: Uncertain significance for Alagille syndrome due to a JAG1 point mutation. Last evaluated: 2024-11-13. Review status: criteria provided, single submitter. Criteria: Invitae Variant Classification Sherloc (09022015). Collection method: clinical testing. Allele origin: germline.
Comment: This sequence change replaces threonine, which is neutral and polar, with methionine, which is neutral and non-polar, at codon 408 of the JAG1 protein (p.Thr408Met). This variant is present in population databases (rs773039210, gnomAD 0.006%). This variant has not been reported in the literature in individuals affected with JAG1-related conditions. ClinVar contains an entry for this variant (Variation ID: 955136). Invitae Evidence Modeling of protein sequence and biophysical properties (such as structural, functional, and spatial information, amino acid conservation, physicochemical variation, residue mobility, and thermodynamic stability) has been performed for this missense variant. However, the output from this modeling did not meet the statistical confidence thresholds required to predict the impact of this variant on JAG1 protein function. In summary, the available evidence is currently insufficient to determine the role of this variant in disease. Therefore, it has been classified as a Variant of Uncertain Significance.

Ambry Genetics
Classification: Uncertain significance for Cardiovascular phenotype. Last evaluated: 2023-12-08. Review status: criteria provided, single submitter. Criteria: Ambry Variant Classification Scheme 2023. Collection method: clinical testing. Allele origin: germline.
Comment: The p.T408M variant (also known as c.1223C>T), located in coding exon 9 of the JAG1 gene, results from a C to T substitution at nucleotide position 1223. The threonine at codon 408 is replaced by methionine, an amino acid with similar properties. This amino acid position is conserved. In addition, this alteration is predicted to be deleterious by in silico analysis. Since supporting evidence is limited at this time, the clinical significance of this alteration remains unclear.

MGZ Medical Genetics Center
Classification: Uncertain significance for Alagille syndrome due to a JAG1 point mutation. Last evaluated: 2021-08-16. Review status: criteria provided, single submitter. Criteria: ACMG Guidelines, 2015. Collection method: clinical testing. Allele origin: germline. Affected: yes. Observed: 1 variant allele.
Comment: ACMG criteria applied: PS4_SUP, PM2_SUP, PP3